The following is an entry in ClinVar:

ClinVar aggregate classification (germline): Uncertain significance (1 of 4 stars; one submission).

gnomAD v4.1: 1 of 1,613,998 alleles (0.000062%); highest among the groups gnomAD compares: Non-Finnish European, 0.000085%; no homozygotes.

Submission:

GeneDx
Classification: Uncertain significance. Last evaluated: 2026-09-07. Review status: criteria provided, single submitter. Criteria: GeneDx Variant Classification Process June 2021. Collection method: clinical testing. Allele origin: germline.
Comment: Affects a glycine residue in a Gly-X-Y motif in the triple helical region of the COL4A2 gene; Not observed at significant frequency in large population cohorts (gnomAD); In silico analysis supports that this missense variant has a deleterious effect on protein structure/function; Has not been previously published as pathogenic or benign to our knowledge

NM_001846.4(COL4A2):c.1916G>A (p.Gly639Asp)

Gene: COL4A2 (collagen type IV alpha 2 chain; plus strand). Cytogenetic location: 13q34.
Variant type: single nucleotide variant.
Coding change: c.1916G>A on transcript NM_001846.4 (MANE Select); coding-DNA position 1916, G replaced by A.
Protein change: p.Gly639Asp; replaces glycine 639 with aspartic acid.
Molecular consequence: missense variant.
Genome position (GRCh38, 1-based): chr13:110,465,544, G>A. VCF-style: chr13-110465544-G-A. GRCh37 (hg19) VCF-style: chr13-111117891-G-A.
Other names: short protein forms G639D.
Identifiers: ClinVar variation 3365428 (VCV003365428.2).
Genomic context (GRCh38, chr13:110,465,544, plus strand): 5'-GCCCCCCAGGACTGGGCCTTCCCGGCCTCAAAGGCCAACGTGGTTTCCCTGGAGACGCCG[G>A]CTTACCTGGACCACCAGGCTTCCTGGGCCCTCCTGGCCCCGCAGGGACCCCAGGACAAAT-3'
Protein context (NP_001837.2, residues 629-649): KGQRGFPGDA[Gly639Asp]LPGPPGFLGP